The following is an entry in ClinVar:

ClinVar aggregate classification (germline): Likely benign. Review status: criteria provided, multiple submitters, no conflicts (2 of 4 stars). 2 submissions from 2 submitters: Likely benign (2). Last evaluated 2026-02-20.

Conditions:
PLEC-related disorder. Also called: PLEC-related condition; PLEC-related disorders.
Epidermolysis bullosa simplex, Ogna type (EBS5A). Also called: Pidermolysis bullosa simplex 5A, Ogna type; EPIDERMOLYSIS BULLOSA SIMPLEX 5A, OGNA TYPE. Identifiers: Orphanet 79401, MedGen C0432317, MONDO:0007555, OMIM 131950.
Epidermolysis bullosa simplex 5B, with muscular dystrophy (EBS5B). Also called: Epidermolysis bullosa simplex with muscular dystrophy; EPIDERMOLYSIS BULLOSA SIMPLEX AND LIMB-GIRDLE MUSCULAR DYSTROPHY. Identifiers: Orphanet 257, MedGen C2931072, MONDO:0009181, OMIM 226670.
Epidermolysis bullosa simplex 5C, with pyloric atresia (EBS5C). Also called: PLEC-Related Epidermolysis Bullosa with Pyloric Atresia; Epidermolysis bullosa simplex with pyloric atresia; PLEC1-Related Epidermolysis Bullosa with Pyloric Atresia. Identifiers: Orphanet 158684, MedGen C2677349, MONDO:0012807, OMIM 612138.
Autosomal recessive limb-girdle muscular dystrophy type 2Q (LGMDR17). Also called: MUSCULAR DYSTROPHY, LIMB-GIRDLE, AUTOSOMAL RECESSIVE 17. Identifiers: Orphanet 254361, MedGen C3150989, MONDO:0013390, OMIM 613723.
Epidermolysis bullosa simplex with nail dystrophy (EBS5D). Identifiers: MedGen C4225309, MONDO:0014661, OMIM 616487.

Allele frequency attached by ClinVar (database versions not stated): gnomAD 0.00008; ESP Exome Variant Server 0.00016; 1000 Genomes Project 30x 0.00031.
gnomAD v4.1: 29 of 1,599,054 alleles (0.0018%); highest among the groups gnomAD compares: African/African-American, 0.024%; no homozygotes.

Submissions (2):

PreventionGenetics, part of Exact Sciences
Classification: Likely benign for PLEC-related condition. Last evaluated: 2026-02-20. Review status: criteria provided, single submitter. Criteria: ACMG Guidelines, 2015. Collection method: clinical testing. Allele origin: germline.
Comment: This variant is classified as likely benign based on ACMG/AMP sequence variant interpretation guidelines (Richards et al. 2015 PMID: 25741868, with internal and published modifications).

Labcorp Genetics (formerly Invitae), Labcorp
Classification: Likely benign for Autosomal recessive limb-girdle muscular dystrophy type 2Q; Epidermolysis bullosa simplex, Ogna type; Epidermolysis bullosa simplex with nail dystrophy; Epidermolysis bullosa simplex 5C, with pyloric atresia; Epidermolysis bullosa simplex 5B, with muscular dystrophy. Last evaluated: 2025-09-10. Review status: criteria provided, single submitter. Criteria: Invitae Variant Classification Sherloc (09022015). Collection method: clinical testing. Allele origin: germline.

NM_201384.3(PLEC):c.5748G>A (p.Thr1916=)

Gene: PLEC (plectin; minus strand). Cytogenetic location: 8q24.3.
Variant type: single nucleotide variant.
Coding change: c.5748G>A on transcript NM_201384.3 (MANE Select); coding-DNA position 5748, G replaced by A.
Protein change: p.Thr1916=; no amino-acid change (threonine 1916 retained).
Molecular consequence: synonymous variant. On other transcripts: intron variant (1).
Genome position (GRCh38, 1-based): chr8:143,924,181, C>T on the plus strand (G>A on the coding strand, the complement: PLEC is on the minus strand). VCF-style: chr8-143924181-C-T. GRCh37 (hg19) VCF-style: chr8-144998349-C-T.
Other names: c.5829G>A (NM_000445.4); c.5829G>A, p.Thr1943= (NM_000445.5); c.5706G>A, p.Thr1902= (NM_201378.4); c.5682G>A, p.Thr1894= (NM_201379.3); c.6159G>A, p.Thr2053= (NM_201380.4); c.5652G>A, p.Thr1884= (NM_201381.3); c.5748G>A, p.Thr1916= (NM_201382.4); c.5760G>A, p.Thr1920= (NM_201383.3); and 1 more.
Identifiers: ClinVar variation 1969570 (VCV001969570.6), dbSNP rs372415930, ClinGen allele CA4926252.
Genomic context (GRCh38, chr8:143,924,181, plus strand): 5'-CTTCTCGAAGCTCGCCTTCAGCGCCAGGATCTCCTCCTCCACCTGCCGCCGCTGCCTCAG[C>T]GTGTCCTCCACCAGCCCCTTCTGCCGCTCCAGCTCGCTGTCCGATGCCTTGCGCAGCTGG-3'
Protein context (NP_958786.1, residues 1906-1926): LERQKGLVED[Thr1916=]LRQRRQVEEE